The following is an entry in ClinVar:

ClinVar aggregate classification (germline): Pathogenic/Likely pathogenic. Review status: criteria provided, multiple submitters, no conflicts (2 of 4 stars). 17 submissions from 17 submitters: Pathogenic (13); Likely pathogenic (4). Last evaluated 2026-10-07.

Conditions:
NOTCH3-related disorder. Also called: NOTCH3-related condition; NOTCH3-related disorders.
Cerebral arteriopathy, autosomal dominant, with subcortical infarcts and leukoencephalopathy, type 1 (CADASIL1). Also called: DEMENTIA, HEREDITARY MULTIINFARCT TYPE; CADASIL 1; CASIL; Cerebral arteriopathy with subcortical infarcts and leukoencephalopathy 1. Identifiers: Orphanet 136, MedGen C4551768, MONDO:0000914, OMIM 125310.
Myofibromatosis, infantile, 2. Identifiers: Orphanet 2591, MedGen C3809084, MONDO:0014122, OMIM 615293.
Lateral meningocele syndrome (LMNS). Also called: NOTCH3-Related Lateral Meningocele Syndrome. Identifiers: Orphanet 2789, MedGen C1851710, MONDO:0007537, OMIM 130720.

Allele frequency attached by ClinVar (database versions not stated): gnomAD exomes below 0.00001; gnomAD 0.00001; ExAC 0.00001.
gnomAD v4.1: 6 of 1,613,928 alleles (0.00037%); highest among the groups gnomAD compares: East Asian, 0.0022%; no homozygotes.

Submissions 1 to 11 of 17:

GeneDx
Classification: Pathogenic. Last evaluated: 2026-10-07. Review status: criteria provided, single submitter. Criteria: GeneDx Variant Classification Process June 2021. Collection method: clinical testing. Allele origin: germline.
Comment: In silico analysis suggests that this missense variant does not alter protein structure/function; Not observed at significant frequency in large population cohorts (gnomAD); This variant is associated with the following publications: (PMID: 12395806, 18948701, 11102981, 20935329, 22664156, 19080749, 15229130, 22367627, 19542611, 12821764, 31589614, 40343074, 40544258, 36380532, 31915071, 28991717, 37681004, 30956055, 37479695, 22878905, 16367901, 15827866, 30311053, 33942994, 35754959, 31996268, 36221938, 33597917, 27844030, 37526664, YangCY2022[CaseReport], TalayaNavarro2023[CaseReport], 15834039, 34741685, 24139282, 25344745, 32277177, 35822697, 31554780, 34335700, 34851492, 36047879, 12756589, 28710804, 36261288, 20851625, 20123231, 31028544, 24844136, 39191170, 40571342)

Genetics Laboratory, Great Ormond Street Hospital NHS Foundation Trust, North Thames Genomic Laboratory Hub
Classification: Pathogenic for CADASIL. Last evaluated: 2026-08-14. Review status: criteria provided, single submitter. Criteria: ACGS Best Practice Guidelines for Variant Classification in Rare Disease 2024 v1.2. Collection method: clinical testing. Allele origin: germline. Affected: yes.
Comment: PS4_moderate, PP3_supporting, PM1_strong, PP2_supporting, PP1_strong

PreventionGenetics, part of Exact Sciences
Classification: Pathogenic for NOTCH3-related condition. Last evaluated: 2026-07-29. Review status: criteria provided, single submitter. Criteria: ACMG Guidelines, 2015. Collection method: clinical testing. Allele origin: germline.
Comment: The NOTCH3 c.1819C>T variant is predicted to result in the amino acid substitution p.Arg607Cys. This variant has been reported in several presumably unrelated patients with cerebral autosomal dominant arteriopathy with subcortical infarcts and leukoencephalopathy (CADASIL) (Escary et al. 2000. PubMed ID: 11102981; Qin et al. 2019. PubMed ID: 31554780; Watanabe et al. 2012. PubMed ID: 20851625). This variant is reported in 0.0054% of alleles in individuals of East Asian descent in gnomAD. This variant is interpreted as pathogenic.

Labcorp Genetics (formerly Invitae), Labcorp
Classification: Pathogenic. Last evaluated: 2026-01-12. Review status: criteria provided, single submitter. Criteria: Invitae Variant Classification Sherloc (09022015). Collection method: clinical testing. Allele origin: germline.
Comment: This sequence change replaces arginine, which is basic and polar, with cysteine, which is neutral and slightly polar, at codon 607 of the NOTCH3 protein (p.Arg607Cys). The frequency data for this variant in the population databases is considered unreliable, as metrics indicate poor data quality at this position in the gnomAD database. This missense change has been observed in individuals with CADASIL (PMID: 15834039, 20851625, 20935329, 31554780). ClinVar contains an entry for this variant (Variation ID: 374637). Invitae Evidence Modeling of protein sequence and biophysical properties (such as structural, functional, and spatial information, amino acid conservation, physicochemical variation, residue mobility, and thermodynamic stability) indicates that this missense variant is expected to disrupt NOTCH3 protein function with a positive predictive value of 95%. For these reasons, this variant has been classified as Pathogenic.

3billion
Classification: Pathogenic for Cerebral arteriopathy, autosomal dominant, with subcortical infarcts and leukoencephalopathy, type 1. Last evaluated: 2025-12-28. Review status: criteria provided, single submitter. Criteria: ACMG Guidelines, 2015. Collection method: clinical testing. Allele origin: germline. Affected: yes.
Comment: The variant is observed at an extremely low frequency in the gnomAD v4.1.0 dataset (total allele frequency: <0.001%). Predicted Consequence/Location: The variant is located in a mutational hot spot and/or well-established functional domain in which established pathogenic variants have been reported (PMID: 35822697). Missense changes are a common disease-causing mechanism. In silico tool predictions suggest damaging effect of the variant on gene or gene product [REVEL: 0.71 (>=0.6, sensitivity 0.68 and specificity 0.92); 3Cnet: 0.83 (> 0.75, sensitivity 0.96 and precision 0.92)]. The same nucleotide change resulting in the same amino acid change has been previously reported as pathogenic/likely pathogenic with strong evidence (ClinVar ID: VCV000374637 /PMID: 11102981). Therefore, this variant is classified as Pathogenic according to the recommendation of ACMG/AMP guideline.

Women's Health and Genetics/Laboratory Corporation of America, LabCorp
Classification: Pathogenic for Cerebral arteriopathy, autosomal dominant, with subcortical infarcts and leukoencephalopathy, type 1. Last evaluated: 2025-11-11. Review status: criteria provided, single submitter. Criteria: LabCorp Variant Classification Summary - May 2015. Collection method: clinical testing. Allele origin: germline.
Comment: Variant summary: NOTCH3 c.1819C>T (p.Arg607Cys) results in a non-conservative amino acid change in the encoded protein sequence. Algorithms developed to predict the effect of missense changes on protein structure and function all suggest that this variant is likely to be disruptive. The variant allele was found at a frequency of 4e-06 in 250118 control chromosomes. c.1819C>T has been observed in multiple individuals affected with Cerebral arteriopathy, autosomal dominant, with subcortical infarcts and leukoencephalopathy, type 1 (example: Mukai_2020). These data indicate that the variant is very likely to be associated with disease. The following publication has been ascertained in the context of this evaluation (PMID: 32277177). ClinVar contains an entry for this variant (Variation ID: 374637). Based on the evidence outlined above, the variant was classified as pathogenic.

Mayo Clinic Laboratories, Mayo Clinic
Classification: Pathogenic. Last evaluated: 2025-11-08. Review status: criteria provided, single submitter. Criteria: ACMG Guidelines, 2015. Collection method: clinical testing. Allele origin: germline. Observed: 3 variant alleles.
Comment: PP1_strong, PP2, PP4, PM1, PS4_moderate

NHS Central & South Genomic Laboratory Hub
Classification: Likely pathogenic for CADASIL. Last evaluated: 2025-10-21. Review status: criteria provided, single submitter. Criteria: ACMG Guidelines, 2015. Collection method: clinical testing. Allele origin: germline. Affected: yes.

Variantyx, Inc.
Classification: Likely pathogenic for Cerebral arteriopathy, autosomal dominant, with subcortical infarcts and leukoencephalopathy, type 1. Last evaluated: 2025-03-21. Review status: criteria provided, single submitter. Criteria: Variantyx Assertion Criteria 2022. Collection method: clinical testing. Allele origin: germline. Affected: yes.
Comment: This is a nonsynonymous variant in the NOTCH3 gene (OMIM: 600276). Pathogenic variants in this gene have been associated with autosomal dominant cerebral arteriopathy with subcortical infarcts and leukoencephalopathy 1. This variant has been observed to segregate with disease in at least five individuals from four families (PMID: 28710804, 31554780) (PP1_Strong). This variant lies within a known hotspot for pathogenic variants or a well-established critical functional domain of the NOTCH3 protein (PMID: 24844136) (PM1). Multiple computational algorithms predict a deleterious effect for this variant (REVEL score: 0.709) (PP3). This variant has a 0.0022% maximum allele frequency in non-founder control populations. Based on the current evidence, this variant is classified as likely pathogenic for autosomal dominant cerebral arteriopathy with subcortical infarcts and leukoencephalopathy 1.

Department of Human Genetics, Hannover Medical School
Classification: Likely pathogenic for Cerebral arteriopathy, autosomal dominant, with subcortical infarcts and leukoencephalopathy, type 1. Last evaluated: 2025-01-07. Review status: criteria provided, single submitter. Criteria: ACMG Guidelines, 2015. Collection method: clinical testing. Allele origin: germline. Affected: yes.
Comment: ACMG: PM1_Supporting, PM2_Supporting, PP1_Strong, PP3, PP4

Athena Diagnostics
Classification: Pathogenic. Last evaluated: 2024-02-29. Review status: criteria provided, single submitter. Criteria: Athena Diagnostics Criteria. Collection method: clinical testing. Allele origin: unknown.
Comment: The frequency of this variant in the general population is consistent with pathogenicity. This variant has been identified in multiple unrelated individuals with clinical features associated with CADASIL. This variant alters a critical location within the protein, and is expected to severely affect function and cause disease. Greater than 90% of NOTCH3 pathogenic variants associated with CADASIL involve the gain or loss of a cysteine residue within the epidermal growth factor (EGF)-like repeat domain (PMID: 32457593, 20301673).

NM_000435.3(NOTCH3):c.1819C>T (p.Arg607Cys)

Gene: NOTCH3 (notch receptor 3; minus strand). Cytogenetic location: 19p13.12.
Variant type: single nucleotide variant.
Coding change: c.1819C>T on transcript NM_000435.3 (MANE Select); coding-DNA position 1819, C replaced by T.
Protein change: p.Arg607Cys; replaces arginine 607 with cysteine.
Molecular consequence: missense variant.
Genome position (GRCh38, 1-based): chr19:15,187,126, G>A on the plus strand (C>T on the coding strand, the complement: NOTCH3 is on the minus strand). VCF-style: chr19-15187126-G-A. GRCh37 (hg19) VCF-style: chr19-15297937-G-A.
Other names: short protein forms R607C.
Identifiers: ClinVar variation 374637 (VCV000374637.68), dbSNP rs777751303, ClinGen allele CA9263542.